The following is an entry in ClinVar:

ClinVar aggregate classification (germline): Benign. Review status: criteria provided, multiple submitters, no conflicts (2 of 4 stars). 5 submissions from 5 submitters: Benign (3). 2 of the submissions do not count toward it. Last evaluated 2026-07-01.

Conditions:
Alport syndrome. Also called: Hemorrhagic familial nephritis; Hemorrhagic hereditary nephritis; Congenital hereditary hematuria. Identifiers: Orphanet 63, MedGen C1567741, MONDO:0018965.
COL4A4-related disorder.

Allele frequency attached by ClinVar (database versions not stated): 1000 Genomes Project 0.00319; 1000 Genomes Project 30x 0.00328; TOPMed 0.01050; gnomAD 0.01153 and 0.01197; gnomAD exomes 0.01568.
gnomAD v4.1: 14,761 of 986,508 alleles (1.5%); highest among the groups gnomAD compares: Non-Finnish European, 1.9%; 151 homozygotes.

Submissions (5):

CeGaT Center for Human Genetics Tuebingen
Classification: Benign. Last evaluated: 2026-07-01. Review status: criteria provided, single submitter. Criteria: CeGaT Center For Human Genetics Tuebingen Variant Classification Criteria Version 2. Collection method: clinical testing. Allele origin: germline. Affected: yes. Observed: 14 variant alleles.
Comment: COL4A4: BS1, BS2

Labcorp Genetics (formerly Invitae), Labcorp
Classification: Benign. Last evaluated: 2024-08-06. Review status: criteria provided, single submitter. Criteria: Invitae Variant Classification Sherloc (09022015). Collection method: clinical testing. Allele origin: germline.

Breakthrough Genomics
Classification: Benign. Review status: criteria provided, single submitter. Criteria: ACMG Guidelines, 2015. Collection method: not provided. Allele origin: germline. Inheritance: Autosomal recessive inheritance. Affected: yes.

Natera, Inc.
Classification: Benign for Alport syndrome. Last evaluated: 2020-09-16. Review status: no assertion criteria provided. Collection method: clinical testing. Allele origin: germline. Not counted in ClinVar's aggregate classification.

PreventionGenetics, part of Exact Sciences
Classification: Benign for COL4A4-related condition. Last evaluated: 2019-09-12. Review status: no assertion criteria provided. Collection method: clinical testing. Allele origin: germline. Not counted in ClinVar's aggregate classification.
Comment: This variant is classified as benign based on ACMG/AMP sequence variant interpretation guidelines (Richards et al. 2015 PMID: 25741868, with internal and published modifications).

NM_000092.5(COL4A4):c.2545+143T>A

Gene: COL4A4 (collagen type IV alpha 4 chain; minus strand). Cytogenetic location: 2q36.3.
Variant type: single nucleotide variant.
Coding change: c.2545+143T>A on transcript NM_000092.5 (MANE Select); 143 bases into the intron after coding-DNA position 2545, T replaced by A.
Molecular consequence: intron variant.
Genome position (GRCh38, 1-based): chr2:227,057,296, A>T on the plus strand (T>A on the coding strand, the complement: COL4A4 is on the minus strand). VCF-style: chr2-227057296-A-T. GRCh37 (hg19) VCF-style: chr2-227922012-A-T.
Identifiers: ClinVar variation 760970 (VCV000760970.43), dbSNP rs55915150, ClinGen allele CA66586193.